The following is an entry in ClinVar:

NM_032578.4(MYPN):c.1226G>A (p.Arg409His)

Gene: MYPN (myopalladin; plus strand). Cytogenetic location: 10q21.3.
Variant type: single nucleotide variant.
Coding change: c.1226G>A on transcript NM_032578.4 (MANE Select); coding-DNA position 1226, G replaced by A.
Protein change: p.Arg409His; replaces arginine 409 with histidine.
Molecular consequence: missense variant. On other transcripts: non-coding transcript variant (2).
Genome position (GRCh38, 1-based): chr10:68,148,448, G>A. VCF-style: chr10-68148448-G-A. GRCh37 (hg19) VCF-style: chr10-69908205-G-A.
Other names: c.1226G>A, p.Arg409His (NM_001256267.2); c.344G>A, p.Arg115His (NM_001256268.2); short protein forms R409H, R115H.
Identifiers: ClinVar variation 241706 (VCV000241706.8), dbSNP rs200352249, ClinGen allele CA5522478.

ClinVar aggregate classification (germline): Uncertain significance. Review status: criteria provided, multiple submitters, no conflicts (2 of 4 stars). 2 submissions from 2 submitters: Uncertain significance (2). Last evaluated 2026-06-08.

Conditions:
MYPN-related disorder. Also called: MYPN-related condition.
Dilated cardiomyopathy 1KK (CMD1KK). Identifiers: Orphanet 154, Orphanet 75249, MedGen C3714995, MONDO:0014100, OMIM 615248.

Allele frequency attached by ClinVar (database versions not stated): gnomAD 0.00001; TOPMed 0.00001; gnomAD exomes 0.00002; ExAC 0.00003; 1000 Genomes Project 30x 0.00031; 1000 Genomes Project 0.00040.
gnomAD v4.1: 31 of 1,614,032 alleles (0.0019%); highest among the groups gnomAD compares: Middle Eastern, 0.016%; no homozygotes.

Submissions (2):

PreventionGenetics, part of Exact Sciences
Classification: Uncertain significance for MYPN-related condition. Last evaluated: 2026-06-08. Review status: criteria provided, single submitter. Criteria: ACMG Guidelines, 2015. Collection method: clinical testing. Allele origin: germline.
Comment: The MYPN c.1226G>A variant is predicted to result in the amino acid substitution p.Arg409His. To our knowledge, this variant has not been reported in the literature. This variant is reported in 0.012% of alleles in individuals of African descent in gnomAD. At this time, the clinical significance of this variant is uncertain due to the absence of conclusive functional and genetic evidence.

Labcorp Genetics (formerly Invitae), Labcorp
Classification: Uncertain significance for Dilated cardiomyopathy 1KK. Last evaluated: 2022-11-26. Review status: criteria provided, single submitter. Criteria: Invitae Variant Classification Sherloc (09022015). Collection method: clinical testing. Allele origin: germline.
Comment: In summary, the available evidence is currently insufficient to determine the role of this variant in disease. Therefore, it has been classified as a Variant of Uncertain Significance. Algorithms developed to predict the effect of missense changes on protein structure and function (SIFT, PolyPhen-2, Align-GVGD) all suggest that this variant is likely to be tolerated. ClinVar contains an entry for this variant (Variation ID: 241706). This variant has not been reported in the literature in individuals affected with MYPN-related conditions. This variant is present in population databases (rs200352249, gnomAD 0.01%). This sequence change replaces arginine, which is basic and polar, with histidine, which is basic and polar, at codon 409 of the MYPN protein (p.Arg409His).